The following is an entry in ClinVar:

NM_001039591.3(USP9X):c.6360A>G (p.Ile2120Met)

Gene: USP9X (ubiquitin specific peptidase 9 X-linked; plus strand). Cytogenetic location: Xp11.4.
Variant type: single nucleotide variant.
Coding change: c.6360A>G on transcript NM_001039591.3 (MANE Select); coding-DNA position 6360, A replaced by G.
Protein change: p.Ile2120Met; replaces isoleucine 2120 with methionine.
Molecular consequence: missense variant.
Genome position (GRCh38, 1-based): chrX:41,218,522, A>G. VCF-style: chrX-41218522-A-G. GRCh37 (hg19) VCF-style: chrX-41077775-A-G.
Other names: c.6360A>G, p.Ile2120Met (NM_001039590.3); short protein forms I2120M.
Identifiers: ClinVar variation 872821 (VCV000872821.47), dbSNP rs201128029, ClinGen allele CA10389101.
Genomic context (GRCh38, chrX:41,218,522, plus strand): 5'-CTCCGAATACCTTCTGGAGTGCCCTAGTGCAGAAGTGAGGGGTGCGTTTGCAAAACTTAT[A>G]GTCTTTATTGCACATTTTTCCTTGCAAGATGGGCCATGTCCTTCACCTTTTGCCTCTCCT-3'
Protein context (NP_001034680.2, residues 2110-2130): AEVRGAFAKL[Ile2120Met]VFIAHFSLQD

ClinVar aggregate classification (germline): Conflicting classifications of pathogenicity. Review status: criteria provided, conflicting classifications (1 of 4 stars). 4 submissions from 4 submitters: Uncertain significance (1); Benign (1); Likely benign (2). Last evaluated 2025-11-15.

Conditions:
Intellectual developmental disorder, X-linked 99. Also called: Intellectual disability, X-linked 99. Identifiers: Orphanet 777, MedGen C3806746, MONDO:0010487, OMIM 300919.
Intellectual developmental disorder, X-linked 99, syndromic, female-restricted. Also called: Intellectual disability, X-linked 99, syndromic, female-restricted. Identifiers: MedGen C4225416, MONDO:0010502, OMIM 300968.

Allele frequency attached by ClinVar (database versions not stated): TOPMed 0.00010; gnomAD exomes 0.00013 and 0.00011; ExAC 0.00011; gnomAD 0.00013 and 0.00014.
gnomAD v4.1: 135 of 1,209,933 alleles (0.011%); highest among the groups gnomAD compares: Non-Finnish European, 0.014%; no homozygotes.

Submissions (4):

Labcorp Genetics (formerly Invitae), Labcorp
Classification: Benign. Last evaluated: 2025-11-15. Review status: criteria provided, single submitter. Criteria: Invitae Variant Classification Sherloc (09022015). Collection method: clinical testing. Allele origin: germline.

Department of Pathology and Laboratory Medicine, Sinai Health System
Classification: Likely benign for Intellectual developmental disorder, X-linked 99; Intellectual developmental disorder, X-linked 99, syndromic, female-restricted. Last evaluated: 2022-04-12. Review status: criteria provided, single submitter. Criteria: ACMG Guidelines, 2015. Collection method: research. Allele origin: germline.

GeneDx
Classification: Likely benign. Last evaluated: 2021-02-24. Review status: criteria provided, single submitter. Criteria: GeneDx Variant Classification Process June 2021. Collection method: clinical testing. Allele origin: germline. Affected: yes.
Comment: See Variant Classification Assertion Criteria.

CeGaT Center for Human Genetics Tuebingen
Classification: Uncertain significance. Last evaluated: 2019-09-01. Review status: criteria provided, single submitter. Criteria: CeGaT Center For Human Genetics Tuebingen Variant Classification Criteria Version 2. Collection method: clinical testing. Allele origin: germline. Affected: yes. Observed: 1 variant allele.